The following is an entry in ClinVar:

NC_000016.9:g.89857046_89867362del

Variant type: Deletion.
Identifiers: ClinVar variation 973998 (VCV000973998.1).

ClinVar aggregate classification (germline): Pathogenic (0 of 4 stars; one submission).

Conditions:
Fanconi anemia complementation group A (FANCA). Also called: Fanconi anemia, group A; FANCA-Related Fanconi Anemia. Identifiers: Orphanet 84, MedGen C3469521, MONDO:0009215, OMIM 227650.

Submission:

Leiden Open Variation Database
Classification: Pathogenic for Fanconi anemia complementation group A. Last evaluated: 2020-02-28. Review status: no assertion criteria provided. Collection method: curation. Allele origin: germline. Affected: yes.
Comment: Curator: Arleen D. Auerbach. Submitter to LOVD: Arleen D. Auerbach.

Literature cited by the submitters: PubMed 25168418.